The following is an entry in ClinVar:

NM_018972.4(GDAP1):c.536del (p.Pro179fs)

Gene: GDAP1 (ganglioside induced differentiation associated protein 1; plus strand). Cytogenetic location: 8q21.11.
Variant type: Deletion.
Coding change: c.536del on transcript NM_018972.4 (MANE Select); coding-DNA position 536, one base deleted (C; older notation c.536delC).
Protein change: p.Pro179fs; shifts the reading frame from proline 179.
Molecular consequence: frameshift variant.
Genome position (GRCh38, 1-based): chr8:74,361,935, C deleted; the last of 3 consecutive C bases (chr8:74,361,933-74,361,935); deleting any one gives the same sequence. VCF-style (leftmost placement, unchanged base first): chr8-74361932-AC-A. GRCh37 (hg19) VCF-style: chr8-75274167-AC-A.
Other names: c.332del, p.Pro111fs (NM_001040875.4); c.209del, p.Pro70fs (NM_001362929.2, NM_001362932.2); c.362del, p.Pro121fs (NM_001362930.2); c.536del, p.Pro179fs (NM_001362931.2); c.536del (NM_018972.2); short protein forms P111fs, P70fs, P121fs, P179fs.
Identifiers: ClinVar variation 1379981 (VCV001379981.7), dbSNP rs1169652308, ClinGen allele CA582809398.

ClinVar aggregate classification (germline): Pathogenic/Likely pathogenic. Review status: criteria provided, multiple submitters, no conflicts (2 of 4 stars). 2 submissions from 2 submitters: Pathogenic (1); Likely pathogenic (1). Last evaluated 2025-10-07.

Conditions:
Charcot-Marie-Tooth disease type 4A. Also called: Charcot-Marie-Tooth disease, demyelinating, autosomal recessive, type 4a. Identifiers: Orphanet 99948, MedGen C1859198, MONDO:0008961, OMIM 214400.

Submissions (2):

Labcorp Genetics (formerly Invitae), Labcorp
Classification: Pathogenic for Charcot-Marie-Tooth disease type 4A. Last evaluated: 2025-10-07. Review status: criteria provided, single submitter. Criteria: Invitae Variant Classification Sherloc (09022015). Collection method: clinical testing. Allele origin: germline.
Comment: This sequence change creates a premature translational stop signal (p.Pro179Glnfs*27) in the GDAP1 gene. It is expected to result in an absent or disrupted protein product. Loss-of-function variants in GDAP1 are known to be pathogenic (PMID: 11743580). This variant is present in population databases (no rsID available, gnomAD 0.01%). This variant has not been reported in the literature in individuals affected with GDAP1-related conditions. ClinVar contains an entry for this variant (Variation ID: 1379981). For these reasons, this variant has been classified as Pathogenic.

GeneDx
Classification: Likely pathogenic. Last evaluated: 2025-06-06. Review status: criteria provided, single submitter. Criteria: GeneDx Variant Classification Process June 2021. Collection method: clinical testing. Allele origin: germline. Affected: yes.
Comment: Frameshift variant predicted to result in protein truncation or nonsense mediated decay in a gene for which loss of function is a known mechanism of disease; Not observed at significant frequency in large population cohorts (gnomAD); Has not been previously published as pathogenic or benign to our knowledge

Literature cited by the submitters: PubMed 11743580 (cited by Labcorp Genetics (formerly Invitae), Labcorp).